The following is an entry in ClinVar:

NM_001282116.2(RFX3):c.2087A>C (p.Lys696Thr)

Gene: RFX3 (regulatory factor X3; minus strand). Cytogenetic location: 9p24.2.
Variant type: single nucleotide variant.
Coding change: c.2087A>C on transcript NM_001282116.2 (MANE Select); coding-DNA position 2087, A replaced by C.
Protein change: p.Lys696Thr; replaces lysine 696 with threonine.
Molecular consequence: missense variant.
Genome position (GRCh38, 1-based): chr9:3,225,205, T>G on the plus strand (A>C on the coding strand, the complement: RFX3 is on the minus strand). VCF-style: chr9-3225205-T-G. GRCh37 (hg19) VCF-style: chr9-3225205-T-G.
Other names: c.2150A>C, p.Lys717Thr (NM_001377999.1); c.2087A>C, p.Lys696Thr (NM_134428.3); short protein forms K696T, K717T.
Identifiers: ClinVar variation 4536167 (VCV004536167.1).

ClinVar aggregate classification (germline): Uncertain significance (1 of 4 stars; one submission).

Submission:

GeneDx
Classification: Uncertain significance. Last evaluated: 2025-06-05. Review status: criteria provided, single submitter. Criteria: GeneDx Variant Classification Process June 2021. Collection method: clinical testing. Allele origin: germline. Affected: yes.
Comment: Not observed at significant frequency in large population cohorts (gnomAD); In silico analysis suggests that this missense variant does not alter protein structure/function; Has not been previously published as pathogenic or benign to our knowledge